The following is an entry in ClinVar:

NC_000022.10:g.(?_17662373)_(17672720_?)dup

Gene: ADA2 (adenosine deaminase 2; minus strand). Cytogenetic location: 22q11.1.
Variant type: Duplication.
Identifiers: ClinVar variation 2424099 (VCV002424099.5).

ClinVar aggregate classification (germline): Uncertain significance (1 of 4 stars; one submission).

Conditions:
Deficiency of adenosine deaminase 2. Also called: Polyarteritis nodosa, childhoood-onset; Adenosine Deaminase 2 Deficiency; VASCULITIS, AUTOINFLAMMATION, IMMUNODEFICIENCY, AND HEMATOLOGIC DEFECTS SYNDROME. Identifiers: Orphanet 404553, MedGen C3887654, MONDO:0014306, OMIM 615688, MONDO:0100317.

Submission:

Labcorp Genetics (formerly Invitae), Labcorp
Classification: Uncertain significance for Deficiency of adenosine deaminase 2. Last evaluated: 2022-08-19. Review status: criteria provided, single submitter. Criteria: Invitae Variant Classification Sherloc (09022015). Collection method: clinical testing. Allele origin: germline.
Comment: This variant results in a copy number gain of the genomic region encompassing exon(s) 5-10 of the ADA2 gene. This region includes the termination codon of the gene. This copy number gain extends beyond the assayed region for this gene and therefore may encompass additional genes. As the precise location of this event is unknown, it may be in tandem or it may be located elsewhere in the genome. This variant has not been reported in the literature in individuals affected with ADA2-related conditions. Experimental studies and prediction algorithms are not available or were not evaluated, and the functional significance of this variant is currently unknown. In summary, the available evidence is currently insufficient to determine the role of this variant in disease. Therefore, it has been classified as a Variant of Uncertain Significance.